The following is an entry in ClinVar:

ClinVar aggregate classification (germline): Uncertain significance (1 of 4 stars; one submission).

Submission:

Labcorp Genetics (formerly Invitae), Labcorp
Classification: Uncertain significance. Last evaluated: 2021-11-03. Review status: criteria provided, single submitter. Criteria: Invitae Variant Classification Sherloc (09022015). Collection method: clinical testing. Allele origin: germline.
Comment: In summary, the available evidence is currently insufficient to determine the role of this variant in disease. Therefore, it has been classified as a Variant of Uncertain Significance. This variant has not been reported in the literature in individuals affected with RIMS1-related conditions. This sequence change creates a premature translational stop signal (p.Gln505*) in the RIMS1 gene. It is expected to result in an absent or disrupted protein product. However, the current clinical and genetic evidence is not sufficient to establish whether loss-of-function variants in RIMS1 cause disease. This variant is not present in population databases (gnomAD no frequency).

NM_014989.7(RIMS1):c.1513C>T (p.Gln505Ter)

Gene: RIMS1 (regulating synaptic membrane exocytosis 1; plus strand). Cytogenetic location: 6q13.
Variant type: single nucleotide variant.
Coding change: c.1513C>T on transcript NM_014989.7 (MANE Select); coding-DNA position 1513, C replaced by T.
Protein change: p.Gln505Ter; replaces glutamine 505 with a stop codon.
Molecular consequence: nonsense.
Genome position (GRCh38, 1-based): chr6:72,182,984, C>T. VCF-style: chr6-72182984-C-T. GRCh37 (hg19) VCF-style: chr6-72892687-C-T.
Other names: short protein forms Q505*.
Identifiers: ClinVar variation 1391075 (VCV001391075.6), dbSNP rs747271770, ClinGen allele CA364821743.